The following is an entry in ClinVar:

ClinVar aggregate classification (germline): Uncertain significance (1 of 4 stars; one submission).

Submission:

Labcorp Genetics (formerly Invitae), Labcorp
Classification: Uncertain significance. Last evaluated: 2024-02-13. Review status: criteria provided, single submitter. Criteria: Invitae Variant Classification Sherloc (09022015). Collection method: clinical testing. Allele origin: germline.
Comment: This sequence change replaces histidine, which is basic and polar, with asparagine, which is neutral and polar, at codon 562 of the EPB42 protein (p.His562Asn). Information on the frequency of this variant in the gnomAD database is not available, as this variant may be reported differently in the database. This variant has not been reported in the literature in individuals affected with EPB42-related conditions. Experimental studies and prediction algorithms are not available or were not evaluated, and the functional significance of this variant is currently unknown. In summary, the available evidence is currently insufficient to determine the role of this variant in disease. Therefore, it has been classified as a Variant of Uncertain Significance.

NM_001114134.2(EPB42):c.1593_1594delinsAA (p.His532Asn)

Gene: EPB42 (erythrocyte membrane protein band 4.2; minus strand). Cytogenetic location: 15q15.2.
Variant type: Indel.
Coding change: c.1593_1594delinsAA on transcript NM_001114134.2 (MANE Select); coding-DNA positions 1593 to 1594, GC replaced by AA.
Protein change: p.His532Asn; replaces histidine 532 with asparagine.
Molecular consequence: missense variant.
Genome position (GRCh38, 1-based): chr15:43,206,354-43,206,355, GC replaced by TT on the plus strand (GC replaced by AA on the coding strand, the reverse complement: EPB42 is on the minus strand). VCF-style: chr15-43206354-GC-TT. GRCh37 (hg19) VCF-style: chr15-43498552-GC-TT.
Other names: c.1683_1684delinsAA, p.His562Asn (NM_000119.3); short protein forms H532N, H562N.
Identifiers: ClinVar variation 2794818 (VCV002794818.3), dbSNP rs2542486019, ClinGen allele CA2739278541.
Genomic context (GRCh38, chr15:43,206,354, plus strand): 5'-TGTCGGGGGGTGTCTGGTGGGGCCATAGAGCATTACCCAGGTTGGCACTGAGCGTGAGGT[GC>TT]AGCTTCTTCCTCCAGAGCTTGGCAGCAAGGACACCGTTGTAGTGTACAGCCTGGACCCCA-3'
Protein context (NP_001107606.1, residues 522-542): LAAKLWRKKL[His532Asn]LTLSANLEKI